The following is an entry in ClinVar:

NM_000552.5(VWF):c.7057G>A (p.Glu2353Lys)

Gene: VWF (von Willebrand factor; minus strand). Cytogenetic location: 12p13.31.
Variant type: single nucleotide variant.
Coding change: c.7057G>A on transcript NM_000552.5 (MANE Select); coding-DNA position 7057, G replaced by A.
Protein change: p.Glu2353Lys; replaces glutamic acid 2353 with lysine.
Molecular consequence: missense variant.
Genome position (GRCh38, 1-based): chr12:5,983,174, C>T on the plus strand (G>A on the coding strand, the complement: VWF is on the minus strand). VCF-style: chr12-5983174-C-T. GRCh37 (hg19) VCF-style: chr12-6092340-C-T.
Other names: p.Glu2353Lys; short protein forms E2353K.
Identifiers: ClinVar variation 2683416 (VCV002683416.1), dbSNP rs779492794, ClinGen allele CA6401795.
Genomic context (GRCh38, chr12:5,983,174, plus strand): 5'-GGCCACACCACCCCTCCTCATCCACAGAGGCCTTACCGCAGGTGAAGTTGGGTCTGCACT[C>T]GCCAGGGTTGGTCAGTGTGGGCTGGAGGCCACGTTCACAGTGAGGCACTGGGGGCAGGTC-3'
Protein context (NP_000543.3, residues 2343-2363): GLQPTLTNPG[Glu2353Lys]CRPNFTCACR

ClinVar aggregate classification (germline): Likely pathogenic (1 of 4 stars; one submission).

Allele frequency attached by ClinVar (database versions not stated): TOPMed 0.00001; ExAC 0.00003; gnomAD exomes 0.00004.
gnomAD v4.1: 65 of 1,613,954 alleles (0.004%); highest among the groups gnomAD compares: Non-Finnish European, 0.0051%; no homozygotes.

Submission:

Mayo Clinic Laboratories, Mayo Clinic
Classification: Likely pathogenic. Last evaluated: 2022-10-12. Review status: criteria provided, single submitter. Criteria: ACMG Guidelines, 2015. Collection method: clinical testing. Allele origin: germline. Observed: 1 variant allele.
Comment: BP4, PM1, PM2, PS3